The following is an entry in ClinVar:

ClinVar aggregate classification (germline): Uncertain significance (1 of 4 stars; one submission).

Allele frequency attached by ClinVar (database versions not stated): gnomAD 0.00001.
gnomAD v4.1: 2 of 1,613,256 alleles (0.00012%); no homozygotes.

Submission:

Labcorp Genetics (formerly Invitae), Labcorp
Classification: Uncertain significance. Last evaluated: 2025-08-09. Review status: criteria provided, single submitter. Criteria: Invitae Variant Classification Sherloc (09022015). Collection method: clinical testing. Allele origin: germline.
Comment: This sequence change replaces valine, which is neutral and non-polar, with leucine, which is neutral and non-polar, at codon 177 of the CFH protein (p.Val177Leu). This variant is not present in population databases (gnomAD no frequency). This variant has not been reported in the literature in individuals affected with CFH-related conditions. ClinVar contains an entry for this variant (Variation ID: 1434748). An algorithm developed to predict the effect of missense changes on protein structure and function (PolyPhen-2) suggests that this variant is likely to be tolerated. In summary, the available evidence is currently insufficient to determine the role of this variant in disease. Therefore, it has been classified as a Variant of Uncertain Significance.

NM_000186.4(CFH):c.529G>C (p.Val177Leu)

Gene: CFH (complement factor H; plus strand). Cytogenetic location: 1q31.3.
Variant type: single nucleotide variant.
Coding change: c.529G>C on transcript NM_000186.4 (MANE Select); coding-DNA position 529, G replaced by C.
Protein change: p.Val177Leu; replaces valine 177 with leucine.
Molecular consequence: missense variant.
Genome position (GRCh38, 1-based): chr1:196,677,577, G>C. VCF-style: chr1-196677577-G-C. GRCh37 (hg19) VCF-style: chr1-196646707-G-C.
Other names: c.529G>C, p.Val177Leu (NM_001014975.3); short protein forms V177L.
Identifiers: ClinVar variation 1434748 (VCV001434748.8), dbSNP rs539060063, ClinGen allele CA343977184.